The following is an entry in ClinVar:

ClinVar aggregate classification (germline): Likely pathogenic (1 of 4 stars; one submission).

Submission:

GeneDx
Classification: Likely pathogenic. Last evaluated: 2015-08-20. Review status: criteria provided, single submitter. Criteria: GeneDx Variant Classification (06012015). Collection method: clinical testing. Allele origin: germline. Affected: yes.
Comment: The N289K variant in the GABRB2 gene has not been published as a , nor has it been reported as a benign polymorphism to our knowledge. The N289K variant was not observed in approximately 6500 individuals of European and African American ancestry in the NHLBI Exome Sequencing Project, indicating it is not a common benign variant in these populations. The N289K variant is a semi-conservative amino acid substitution, which may impact secondary protein structure as these residues differ in some properties. This substitution occurs at a position that is conserved across species. In silico analysis predicts this variant is probably damaging to the protein structure/function. The N289K variant is a strong candidate for a disease-causing variant,however, the possibility it may be a rare benign variant cannot be excluded.

NM_001371727.1(GABRB2):c.867C>A (p.Asn289Lys)

Gene: GABRB2 (gamma-aminobutyric acid type A receptor subunit beta2; minus strand). Cytogenetic location: 5q34.
Variant type: single nucleotide variant.
Coding change: c.867C>A on transcript NM_001371727.1 (MANE Select); coding-DNA position 867, C replaced by A.
Protein change: p.Asn289Lys; replaces asparagine 289 with lysine.
Molecular consequence: missense variant.
Genome position (GRCh38, 1-based): chr5:161,331,093, G>T on the plus strand (C>A on the coding strand, the complement: GABRB2 is on the minus strand). VCF-style: chr5-161331093-G-T. GRCh37 (hg19) VCF-style: chr5-160758100-G-T.
Other names: c.867C>A, p.Asn289Lys (NM_000813.3, NM_021911.3); short protein forms N289K.
Identifiers: ClinVar variation 418222 (VCV000418222.2), dbSNP rs1064793133, ClinGen allele CA16618150.